The following is an entry in ClinVar:

NM_017617.5(NOTCH1):c.3684C>T (p.Pro1228=)

Gene: NOTCH1 (notch receptor 1; minus strand). Cytogenetic location: 9q34.3.
Variant type: single nucleotide variant.
Coding change: c.3684C>T on transcript NM_017617.5 (MANE Select); coding-DNA position 3684, C replaced by T.
Protein change: p.Pro1228=; no amino-acid change (proline 1228 retained).
Molecular consequence: synonymous variant.
Genome position (GRCh38, 1-based): chr9:136,506,933, G>A on the plus strand (C>T on the coding strand, the complement: NOTCH1 is on the minus strand). VCF-style: chr9-136506933-G-A. GRCh37 (hg19) VCF-style: chr9-139401385-G-A.
Other names: c.3684C>T (NM_017617.4).
Identifiers: ClinVar variation 681740 (VCV000681740.14), dbSNP rs753711100, ClinGen allele CA5340824.

ClinVar aggregate classification (germline): Likely benign. Review status: criteria provided, multiple submitters, no conflicts (2 of 4 stars). 6 submissions from 5 submitters: Likely benign (5). 1 of the submissions does not count toward it. Last evaluated 2026-01-08.

Conditions:
Familial thoracic aortic aneurysm and aortic dissection (TAAD). Also called: Thoracic aortic aneurysms and dissections. Identifiers: Orphanet 91387, MedGen C4707243, MONDO:0019625.
Adams-Oliver syndrome 5 (AOS5). Identifiers: Orphanet 974, MedGen C4014970, MONDO:0014459, OMIM 616028.
Aortic valve disease 1 (AOVD1). Identifiers: MedGen C3887892, MONDO:0024523, OMIM 109730.
NOTCH1-related disorder. Also called: NOTCH1-related disorders; NOTCH1-related condition.

Allele frequency attached by ClinVar (database versions not stated): gnomAD 0.00001 and 0.00002; gnomAD exomes 0.00002 and 0.00003; TOPMed 0.00002; ExAC 0.00004.
gnomAD v4.1: 43 of 1,611,074 alleles (0.0027%); highest among the groups gnomAD compares: East Asian, 0.0089%; no homozygotes.

Submissions (6):

Labcorp Genetics (formerly Invitae), Labcorp
Classification: Likely benign for Adams-Oliver syndrome 5. Last evaluated: 2026-01-08. Review status: criteria provided, single submitter. Criteria: Invitae Variant Classification Sherloc (09022015). Collection method: clinical testing. Allele origin: germline.

Genome-Nilou Lab
Classification: Likely benign for Adams-Oliver syndrome 5. Last evaluated: 2022-03-15. Review status: criteria provided, single submitter. Criteria: ACMG Guidelines, 2015. Collection method: clinical testing. Allele origin: germline. Affected: no.

Genome-Nilou Lab
Classification: Likely benign for Aortic valve disease 1. Last evaluated: 2022-03-15. Review status: criteria provided, single submitter. Criteria: ACMG Guidelines, 2015. Collection method: clinical testing. Allele origin: germline. Affected: no.

Ambry Genetics
Classification: Likely benign for Familial thoracic aortic aneurysm and aortic dissection. Last evaluated: 2021-06-17. Review status: criteria provided, single submitter. Criteria: Ambry Variant Classification Scheme 2023. Collection method: clinical testing. Allele origin: germline.

GeneDx
Classification: Likely benign. Last evaluated: 2018-04-13. Review status: criteria provided, single submitter. Criteria: GeneDx Variant Classification (06012015). Collection method: clinical testing. Allele origin: germline. Affected: yes.
Comment: This variant is considered likely benign or benign based on one or more of the following criteria: it is a conservative change, it occurs at a poorly conserved position in the protein, it is predicted to be benign by multiple in silico algorithms, and/or has population frequency not consistent with disease.

PreventionGenetics, part of Exact Sciences
Classification: Likely benign for NOTCH1-related condition. Last evaluated: 2019-05-08. Review status: no assertion criteria provided. Collection method: clinical testing. Allele origin: germline. Not counted in ClinVar's aggregate classification.
Comment: This variant is classified as likely benign based on ACMG/AMP sequence variant interpretation guidelines (Richards et al. 2015 PMID: 25741868, with internal and published modifications).